The following is an entry in ClinVar:

NM_001972.4(ELANE):c.164G>A (p.Cys55Tyr)

Gene: ELANE (elastase, neutrophil expressed; plus strand). Cytogenetic location: 19p13.3.
Variant type: single nucleotide variant.
Coding change: c.164G>A on transcript NM_001972.4 (MANE Select); coding-DNA position 164, G replaced by A.
Protein change: p.Cys55Tyr; replaces cysteine 55 with tyrosine.
Molecular consequence: missense variant.
Genome position (GRCh38, 1-based): chr19:852,972, G>A. VCF-style: chr19-852972-G-A. GRCh37 (hg19) VCF-style: chr19-852972-G-A.
Other names: short protein forms C55Y.
Identifiers: ClinVar variation 2925630 (VCV002925630.3), dbSNP rs2035617210, ClinGen allele CA402914677.

ClinVar aggregate classification (germline): Pathogenic (1 of 4 stars; one submission).

Conditions:
Neutropenia, severe congenital, 1, autosomal dominant. Identifiers: MedGen C1859966, MONDO:0042490, OMIM 202700.
Cyclical neutropenia. Also called: Cyclic hematopoiesis; Cyclic Neutropenia. Identifiers: Orphanet 2686, MedGen C0221023, MONDO:0008090, OMIM 162800, HP:0040289. Disease mechanism: loss of function.

Submission:

Labcorp Genetics (formerly Invitae), Labcorp
Classification: Pathogenic for Neutropenia, severe congenital, 1, autosomal dominant; Cyclical neutropenia. Last evaluated: 2023-11-22. Review status: criteria provided, single submitter. Criteria: Invitae Variant Classification Sherloc (09022015). Collection method: clinical testing. Allele origin: germline.
Comment: This sequence change replaces cysteine, which is neutral and slightly polar, with tyrosine, which is neutral and polar, at codon 55 of the ELANE protein (p.Cys55Tyr). This variant is not present in population databases (gnomAD no frequency). This missense change has been observed in individual(s) with congenital neutropenia (PMID: 11675333, 31009763). In at least one individual the variant was observed to be de novo. This variant is also known as G1882A (p.Cys26Tyr). Advanced modeling of protein sequence and biophysical properties (such as structural, functional, and spatial information, amino acid conservation, physicochemical variation, residue mobility, and thermodynamic stability) performed at Invitae indicates that this missense variant is expected to disrupt ELANE protein function with a positive predictive value of 95%. For these reasons, this variant has been classified as Pathogenic.

Literature cited by the submitters: PubMed 11675333; PubMed 31009763.